The following is an entry in ClinVar:

ClinVar aggregate classification (germline): Conflicting classifications of pathogenicity. Review status: criteria provided, conflicting classifications (1 of 4 stars). 6 submissions from 6 submitters: Uncertain significance (3); Likely benign (3). Last evaluated 2026-06-01.

Conditions:
Hemochromatosis type 1 (HFE1). Also called: HFE-Related Hemochromatosis; HFE-Associated Hereditary Hemochromatosis. Identifiers: Orphanet 465508, MedGen C3469186, MONDO:0021001, OMIM 235200. Disease mechanism: loss of function.
Hereditary hemochromatosis (HFE). Identifiers: MedGen C0392514, MONDO:0006507. Disease mechanism: loss of function.

Allele frequency attached by ClinVar (database versions not stated): gnomAD 0.00032 and 0.00044; TOPMed 0.00032; ESP Exome Variant Server 0.00046; ExAC 0.00060; 1000 Genomes Project 30x 0.00078; 1000 Genomes Project 0.00080.
gnomAD v4.1: 1,017 of 1,612,782 alleles (0.063%); highest among the groups gnomAD compares: South Asian, 0.21%; 5 homozygotes.

Submissions (6):

CeGaT Center for Human Genetics Tuebingen
Classification: Likely benign. Last evaluated: 2026-06-01. Review status: criteria provided, single submitter. Criteria: CeGaT Center For Human Genetics Tuebingen Variant Classification Criteria Version 2. Collection method: clinical testing. Allele origin: germline. Affected: yes. Observed: 3 variant alleles.
Comment: HFE: BS2

Labcorp Genetics (formerly Invitae), Labcorp
Classification: Likely benign for Hereditary hemochromatosis. Last evaluated: 2026-02-03. Review status: criteria provided, single submitter. Criteria: Invitae Variant Classification Sherloc (09022015). Collection method: clinical testing. Allele origin: germline.

GeneDx
Classification: Uncertain significance. Last evaluated: 2025-07-22. Review status: criteria provided, single submitter. Criteria: GeneDx Variant Classification Process June 2021. Collection method: clinical testing. Allele origin: germline. Affected: yes.
Comment: Identified in heterozygous state in a cohort of patients with suspected hereditary hemochromatosis (HH); no second variant was identified in this individual (PMID: 38980801); In silico analysis suggests that this missense variant does not alter protein structure/function; This variant is associated with the following publications: (PMID: 38980801)

Blueprint Genetics
Classification: Likely benign. Last evaluated: 2024-11-25. Review status: criteria provided, single submitter. Criteria: ACMG Guidelines, 2015. Collection method: clinical testing. Allele origin: germline.

Department of Pathology and Laboratory Medicine, Sinai Health System
Classification: Uncertain significance for Hemochromatosis type 1. Last evaluated: 2022-01-21. Review status: criteria provided, single submitter. Criteria: ACMG Guidelines, 2015. Collection method: research. Allele origin: germline.

Illumina Laboratory Services, Illumina
Classification: Uncertain significance for Hemochromatosis type 1. Last evaluated: 2018-01-13. Review status: criteria provided, single submitter. Criteria: ICSL Variant Classification Criteria 13 December 2019. Collection method: clinical testing. Allele origin: germline.

NM_000410.4(HFE):c.68G>A (p.Arg23His)

Genes: HFE (homeostatic iron regulator; plus strand), HFE-AS1 (HFE antisense RNA 1; minus strand). Cytogenetic location: 6p22.2.
Variant type: single nucleotide variant.
Coding change: c.68G>A on transcript NM_000410.4 (MANE Select); coding-DNA position 68, G replaced by A.
Protein change: p.Arg23His; replaces arginine 23 with histidine.
Molecular consequence: missense variant. On other transcripts: non-coding transcript variant (1).
Genome position (GRCh38, 1-based): chr6:26,087,508, G>A. VCF-style: chr6-26087508-G-A. GRCh37 (hg19) VCF-style: chr6-26087736-G-A.
Other names: c.68G>A, p.Arg23His (NM_001300749.3, NM_001384164.1, NM_001406751.1 and 9 more transcripts); short protein forms R23H.
Identifiers: ClinVar variation 356194 (VCV000356194.46), dbSNP rs148161858, ClinGen allele CA3666572.
Genomic context (GRCh38, chr6:26,087,508, plus strand): 5'-CGCGAGCCAGGCCGGCGCTTCTCCTCCTGATGCTTTTGCAGACCGCGGTCCTGCAGGGGC[G>A]CTTGCTGCGTGAGTCCGAGGGCTGCGGGCGAACTAGGGGCGCGGCGGGGGTGGAAAAATC-3'
Protein context (NP_000401.1, residues 13-33): MLLQTAVLQG[Arg23His]LLRSHSLHYL